The following is an entry in ClinVar:

NM_003748.4(ALDH4A1):c.337C>T (p.Arg113Trp)

Gene: ALDH4A1 (aldehyde dehydrogenase 4 family member A1; minus strand). Cytogenetic location: 1p36.13.
Variant type: single nucleotide variant.
Coding change: c.337C>T on transcript NM_003748.4 (MANE Select); coding-DNA position 337, C replaced by T.
Protein change: p.Arg113Trp; replaces arginine 113 with tryptophan.
Molecular consequence: missense variant.
Genome position (GRCh38, 1-based): chr1:18,885,589, G>A on the plus strand (C>T on the coding strand, the complement: ALDH4A1 is on the minus strand). VCF-style: chr1-18885589-G-A. GRCh37 (hg19) VCF-style: chr1-19212083-G-A.
Other names: c.157C>T, p.Arg53Trp (NM_001161504.2); c.337C>T, p.Arg113Trp (NM_001319218.2, NM_170726.3); short protein forms R113W, R53W.
Identifiers: ClinVar variation 650326 (VCV000650326.10), dbSNP rs142923662, ClinGen allele CA647397.

ClinVar aggregate classification (germline): Uncertain significance (1 of 4 stars; one submission).

Conditions:
Hyperprolinemia type 2 (HYRPRO2). Also called: Deficiency of pyrroline-5-carboxylate reductase; Delta-1-pyrroline-5-carboxylate dehydrogenase deficiency; 1-PYRROLINE-5-CARBOXYLATE DEHYDROGENASE DEFICIENCY. Identifiers: Orphanet 79101, MedGen C2931835, MONDO:0009401, OMIM 239510.

Allele frequency attached by ClinVar (database versions not stated): gnomAD 0.00001 and 0.00003; gnomAD exomes 0.00004 and 0.00007; TOPMed 0.00007; ExAC 0.00008; ESP Exome Variant Server 0.00008.

Submission:

Labcorp Genetics (formerly Invitae), Labcorp
Classification: Uncertain significance for Hyperprolinemia type 2. Last evaluated: 2024-10-22. Review status: criteria provided, single submitter. Criteria: Invitae Variant Classification Sherloc (09022015). Collection method: clinical testing. Allele origin: germline.
Comment: This sequence change replaces arginine, which is basic and polar, with tryptophan, which is neutral and slightly polar, at codon 113 of the ALDH4A1 protein (p.Arg113Trp). This variant is present in population databases (rs142923662, gnomAD 0.03%). This variant has not been reported in the literature in individuals affected with ALDH4A1-related conditions. ClinVar contains an entry for this variant (Variation ID: 650326). An algorithm developed to predict the effect of missense changes on protein structure and function (PolyPhen-2) suggests that this variant is likely to be disruptive. In summary, the available evidence is currently insufficient to determine the role of this variant in disease. Therefore, it has been classified as a Variant of Uncertain Significance.